The following is an entry in ClinVar:

ClinVar aggregate classification (germline): Uncertain significance. Review status: criteria provided, multiple submitters, no conflicts (2 of 4 stars). 3 submissions from 3 submitters: Uncertain significance (3). Last evaluated 2025-04-07.

Conditions:
Inborn genetic diseases. Identifiers: MedGen C0950123, MeSH D030342.
Nephronophthisis. Also called: Juvenile Nephronophthisis. Identifiers: Orphanet 655, MedGen C0687120, MONDO:0019005, HP:0000090.
Senior-Loken syndrome 5 (SLSN5). Identifiers: Orphanet 3156, MedGen C1836517, MONDO:0012225, OMIM 609254.

Allele frequency attached by ClinVar (database versions not stated): gnomAD 0.00001; gnomAD exomes 0.00001 and 0.00004; TOPMed 0.00001; ExAC 0.00002.
gnomAD v4.1: 15 of 1,607,112 alleles (0.00093%); highest among the groups gnomAD compares: Admixed American, 0.017%; no homozygotes.

Submissions (3):

Ambry Genetics
Classification: Uncertain significance for Inborn genetic diseases. Last evaluated: 2025-04-07. Review status: criteria provided, single submitter. Criteria: Ambry Variant Classification Scheme 2023. Collection method: clinical testing. Allele origin: germline.

Fulgent Genetics
Classification: Uncertain significance for Senior-Loken syndrome 5. Last evaluated: 2024-05-14. Review status: criteria provided, single submitter. Criteria: ACMG Guidelines, 2015. Collection method: clinical testing. Allele origin: germline.

Labcorp Genetics (formerly Invitae), Labcorp
Classification: Uncertain significance for Nephronophthisis. Last evaluated: 2023-12-04. Review status: criteria provided, single submitter. Criteria: Invitae Variant Classification Sherloc (09022015). Collection method: clinical testing. Allele origin: germline.
Comment: This sequence change replaces proline, which is neutral and non-polar, with alanine, which is neutral and non-polar, at codon 318 of the IQCB1 protein (p.Pro318Ala). This variant is present in population databases (rs749043070, gnomAD 0.02%). This variant has not been reported in the literature in individuals affected with IQCB1-related conditions. ClinVar contains an entry for this variant (Variation ID: 963415). Advanced modeling of protein sequence and biophysical properties (such as structural, functional, and spatial information, amino acid conservation, physicochemical variation, residue mobility, and thermodynamic stability) performed at Invitae indicates that this missense variant is not expected to disrupt IQCB1 protein function with a negative predictive value of 80%. In summary, the available evidence is currently insufficient to determine the role of this variant in disease. Therefore, it has been classified as a Variant of Uncertain Significance.

NM_001023570.4(IQCB1):c.952C>G (p.Pro318Ala)

Gene: IQCB1 (IQ motif containing B1; minus strand). Cytogenetic location: 3q13.33.
Variant type: single nucleotide variant.
Coding change: c.952C>G on transcript NM_001023570.4 (MANE Select); coding-DNA position 952, C replaced by G.
Protein change: p.Pro318Ala; replaces proline 318 with alanine.
Molecular consequence: missense variant. On other transcripts: intron variant (1).
Genome position (GRCh38, 1-based): chr3:121,795,491, G>C on the plus strand (C>G on the coding strand, the complement: IQCB1 is on the minus strand). VCF-style: chr3-121795491-G-C. GRCh37 (hg19) VCF-style: chr3-121514338-G-C.
Other names: c.952C>G, p.Pro318Ala (NM_001319107.2); c.588-5276C>G (NM_001023571.4); short protein forms P318A.
Identifiers: ClinVar variation 963415 (VCV000963415.8), dbSNP rs749043070, ClinGen allele CA2567239.